The following is an entry in ClinVar:

ClinVar aggregate classification (germline): Uncertain significance (1 of 4 stars; one submission).

Allele frequency attached by ClinVar (database versions not stated): TOPMed below 0.00001.

Submission:

Labcorp Genetics (formerly Invitae), Labcorp
Classification: Uncertain significance. Last evaluated: 2023-12-15. Review status: criteria provided, single submitter. Criteria: Invitae Variant Classification Sherloc (09022015). Collection method: clinical testing. Allele origin: germline.
Comment: This sequence change replaces glutamic acid, which is acidic and polar, with valine, which is neutral and non-polar, at codon 291 of the TNFRSF11A protein (p.Glu291Val). This variant is not present in population databases (gnomAD no frequency). This variant has not been reported in the literature in individuals affected with TNFRSF11A-related conditions. An algorithm developed to predict the effect of missense changes on protein structure and function (PolyPhen-2) suggests that this variant is likely to be disruptive. In summary, the available evidence is currently insufficient to determine the role of this variant in disease. Therefore, it has been classified as a Variant of Uncertain Significance.

NM_003839.4(TNFRSF11A):c.872A>T (p.Glu291Val)

Gene: TNFRSF11A (TNF receptor superfamily member 11a; plus strand). Cytogenetic location: 18q21.33.
Variant type: single nucleotide variant.
Coding change: c.872A>T on transcript NM_003839.4 (MANE Select); coding-DNA position 872, A replaced by T.
Protein change: p.Glu291Val; replaces glutamic acid 291 with valine.
Molecular consequence: missense variant. On other transcripts: intron variant (3).
Genome position (GRCh38, 1-based): chr18:62,368,789, A>T. VCF-style: chr18-62368789-A-T. GRCh37 (hg19) VCF-style: chr18-60036022-A-T.
Other names: c.830A>T, p.Glu277Val (NM_001278268.2); c.783+2029A>T (NM_001270949.2); c.730+6996A>T (NM_001270950.2); c.616+8740A>T (NM_001270951.2); short protein forms E277V, E291V.
Identifiers: ClinVar variation 3009512 (VCV003009512.3), dbSNP rs1910287504, ClinGen allele CA402616085.